The following is an entry in ClinVar:

ClinVar aggregate classification (germline): Uncertain significance (1 of 4 stars; one submission).

Submission:

Labcorp Genetics (formerly Invitae), Labcorp
Classification: Uncertain significance. Last evaluated: 2024-08-12. Review status: criteria provided, single submitter. Criteria: Invitae Variant Classification Sherloc (09022015). Collection method: clinical testing. Allele origin: germline.
Comment: This sequence change replaces phenylalanine, which is neutral and non-polar, with leucine, which is neutral and non-polar, at codon 13 of the TM4SF20 protein (p.Phe13Leu). This variant is not present in population databases (gnomAD no frequency). This variant has not been reported in the literature in individuals affected with TM4SF20-related conditions. ClinVar contains an entry for this variant (Variation ID: 1514351). An algorithm developed to predict the effect of missense changes on protein structure and function (PolyPhen-2) suggests that this variant is likely to be tolerated. In summary, the available evidence is currently insufficient to determine the role of this variant in disease. Therefore, it has been classified as a Variant of Uncertain Significance.

NM_024795.4(TM4SF20):c.37T>C (p.Phe13Leu)

Gene: TM4SF20 (transmembrane 4 L six family member 20; minus strand). Cytogenetic location: 2q36.3.
Variant type: single nucleotide variant.
Coding change: c.37T>C on transcript NM_024795.4 (MANE Select); coding-DNA position 37, T replaced by C.
Protein change: p.Phe13Leu; replaces phenylalanine 13 with leucine.
Molecular consequence: missense variant.
Genome position (GRCh38, 1-based): chr2:227,379,232, A>G on the plus strand (T>C on the coding strand, the complement: TM4SF20 is on the minus strand). VCF-style: chr2-227379232-A-G. GRCh37 (hg19) VCF-style: chr2-228243948-A-G.
Other names: short protein forms F13L.
Identifiers: ClinVar variation 1514351 (VCV001514351.6), dbSNP rs2106497782, ClinGen allele CA350867436.
Genomic context (GRCh38, chr2:227,379,232, plus strand): 5'-TGACAATTAGAGGTATCGCATTGAGAACTACTCCTAACAGCAGTAGAACCAGCAGGCTGA[A>G]TCCATTGCAGGATGTCCATCCTTCGCAGCAGGTCATGGTCACCCCTGGCTCAGAAACGTT-3'
Protein context (NP_079071.2, residues 3-23): CCEGWTSCNG[Phe13Leu]SLLVLLLLGV